The following is an entry in ClinVar:

ClinVar aggregate classification (germline): Uncertain significance (1 of 4 stars; one submission).

Allele frequency attached by ClinVar (database versions not stated): ExAC 0.00001; gnomAD exomes 0.00001; gnomAD 0.00002 and 0.00004; TOPMed 0.00002; ESP Exome Variant Server 0.00008.
gnomAD v4.1: 28 of 1,611,338 alleles (0.0017%); highest among the groups gnomAD compares: South Asian, 0.0022%; no homozygotes.

Submission:

GeneDx
Classification: Uncertain significance. Last evaluated: 2018-08-30. Review status: criteria provided, single submitter. Criteria: GeneDx Variant Classification Process June 2021. Collection method: clinical testing. Allele origin: germline. Affected: yes.
Comment: Not observed at a significant frequency in large population cohorts (Lek et al., 2016); In silico analysis, which includes protein predictors and evolutionary conservation, supports a deleterious effect; Has not been previously published as pathogenic or benign to our knowledge

NM_198578.4(LRRK2):c.1817G>A (p.Gly606Asp)

Gene: LRRK2 (leucine rich repeat kinase 2; plus strand). Cytogenetic location: 12q12.
Variant type: single nucleotide variant.
Coding change: c.1817G>A on transcript NM_198578.4 (MANE Select); coding-DNA position 1817, G replaced by A.
Protein change: p.Gly606Asp; replaces glycine 606 with aspartic acid.
Molecular consequence: missense variant.
Genome position (GRCh38, 1-based): chr12:40,274,869, G>A. VCF-style: chr12-40274869-G-A. GRCh37 (hg19) VCF-style: chr12-40668671-G-A.
Other names: short protein forms G606D.
Identifiers: ClinVar variation 1304112 (VCV001304112.2), dbSNP rs138717506, ClinGen allele CA6513469.
Genomic context (GRCh38, chr12:40,274,869, plus strand): 5'-TTCAGTTTTGAGATTTAAAACAATTCTTTTTTTTTATTTTCCTAGAAATTCAGTGTCTGG[G>A]TTTAAGTCTTATAGGATACTTGATTACAAAGAAGAATGTGTTCATAGGAACTGGACATCT-3'
Protein context (NP_940980.4, residues 596-616): YPDDQEIQCL[Gly606Asp]LSLIGYLITK